The following is an entry in ClinVar:

ClinVar aggregate classification (germline): Likely benign (1 of 4 stars; one submission).

Allele frequency attached by ClinVar (database versions not stated): 1000 Genomes Project 0.00260; 1000 Genomes Project 30x 0.00265; TOPMed 0.00280; gnomAD 0.00305; ESP Exome Variant Server 0.00318; ExAC 0.00323.
gnomAD v4.1: 6,600 of 1,613,270 alleles (0.41%); highest among the groups gnomAD compares: Non-Finnish European, 0.49%; 15 homozygotes.

Submission:

CeGaT Center for Human Genetics Tuebingen
Classification: Likely benign. Last evaluated: 2023-01-01. Review status: criteria provided, single submitter. Criteria: CeGaT Center For Human Genetics Tuebingen Variant Classification Criteria Version 2. Collection method: clinical testing. Allele origin: germline. Affected: yes. Observed: 1 variant allele.
Comment: KRABD3: BP4, BS2

NM_001290187.2(KRABD3):c.820G>A (p.Gly274Ser)

Gene: KRABD3 (KRAB domain containing 3; plus strand). Cytogenetic location: 7q36.1.
Variant type: single nucleotide variant.
Coding change: c.820G>A on transcript NM_001290187.2 (MANE Select); coding-DNA position 820, G replaced by A.
Protein change: p.Gly274Ser; replaces glycine 274 with serine.
Molecular consequence: missense variant. On other transcripts: non-coding transcript variant (1).
Genome position (GRCh38, 1-based): chr7:149,722,902, G>A. VCF-style: chr7-149722902-G-A. GRCh37 (hg19) VCF-style: chr7-149419993-G-A.
Other names: c.868G>A, p.Gly290Ser (NM_001394478.1); c.823G>A, p.Gly275Ser (NM_001394479.1, NM_001394486.1); c.778G>A, p.Gly260Ser (NM_001394480.1); c.775G>A, p.Gly259Ser (NM_001394481.1, NM_001394490.1); c.715G>A, p.Gly239Ser (NM_001394482.1, NM_001394483.1); c.820G>A, p.Gly274Ser (NM_001394484.1, NM_001394487.1, NM_001394489.1); c.718G>A, p.Gly240Ser (NM_001394485.1, NM_001394492.1, NM_032534.4); c.670G>A, p.Gly224Ser (NM_001394488.1); and 1 more; short protein forms G224S, G239S, G240S, G259S, G260S, G274S, G275S, G290S.
Identifiers: ClinVar variation 2658146 (VCV002658146.24), dbSNP rs184180126, ClinGen allele CA4553747.